The following is an entry in ClinVar:

ClinVar aggregate classification (germline): Likely benign. Review status: criteria provided, multiple submitters, no conflicts (2 of 4 stars). 4 submissions from 4 submitters: Likely benign (3). 1 of the submissions does not count toward it. Last evaluated 2026-01-28.

Conditions:
FOCAD-related disorder. Also called: FOCAD-related condition.

Allele frequency attached by ClinVar (database versions not stated): TOPMed 0.00236; gnomAD 0.00262 and 0.00273; ESP Exome Variant Server 0.00323; 1000 Genomes Project 0.00060; 1000 Genomes Project 30x 0.00062; ExAC 0.00170; gnomAD exomes 0.00187.
gnomAD v4.1: 5,717 of 1,607,224 alleles (0.36%); highest among the groups gnomAD compares: Non-Finnish European, 0.44%; 16 homozygotes.

Submissions (4):

Labcorp Genetics (formerly Invitae), Labcorp
Classification: Likely benign. Last evaluated: 2026-01-28. Review status: criteria provided, single submitter. Criteria: Invitae Variant Classification Sherloc (09022015). Collection method: clinical testing. Allele origin: germline.

CeGaT Center for Human Genetics Tuebingen
Classification: Likely benign. Last evaluated: 2023-03-01. Review status: criteria provided, single submitter. Criteria: CeGaT Center For Human Genetics Tuebingen Variant Classification Criteria Version 2. Collection method: clinical testing. Allele origin: germline. Affected: yes. Observed: 1 variant allele.
Comment: FOCAD: BP4

Breakthrough Genomics
Classification: Likely benign. Review status: criteria provided, single submitter. Criteria: ACMG Guidelines, 2015. Collection method: not provided. Allele origin: germline. Inheritance: Autosomal recessive inheritance. Affected: yes.

PreventionGenetics, part of Exact Sciences
Classification: Likely benign for FOCAD-related condition. Last evaluated: 2020-05-12. Review status: no assertion criteria provided. Collection method: clinical testing. Allele origin: germline. Not counted in ClinVar's aggregate classification.
Comment: This variant is classified as likely benign based on ACMG/AMP sequence variant interpretation guidelines (Richards et al. 2015 PMID: 25741868, with internal and published modifications).

NM_001375567.1(FOCAD):c.2104A>G (p.Lys702Glu)

Gene: FOCAD (focadhesin; plus strand). Cytogenetic location: 9p21.3.
Variant type: single nucleotide variant.
Coding change: c.2104A>G on transcript NM_001375567.1 (MANE Select); coding-DNA position 2104, A replaced by G.
Protein change: p.Lys702Glu; replaces lysine 702 with glutamic acid.
Molecular consequence: missense variant.
Genome position (GRCh38, 1-based): chr9:20,865,974, A>G. VCF-style: chr9-20865974-A-G. GRCh37 (hg19) VCF-style: chr9-20865973-A-G.
Other names: c.1999A>G, p.Lys667Glu (NM_001375568.1, NM_001375570.1); c.2104A>G, p.Lys702Glu (NM_017794.5); short protein forms K667E, K702E.
Identifiers: ClinVar variation 715807 (VCV000715807.32), dbSNP rs151286548, ClinGen allele CA5006964.